The following is an entry in ClinVar:

NM_004484.4(GPC3):c.351T>G (p.Ile117Met)

Gene: GPC3 (glypican 3; minus strand). Cytogenetic location: Xq26.2.
Variant type: single nucleotide variant.
Coding change: c.351T>G on transcript NM_004484.4 (MANE Select); coding-DNA position 351, T replaced by G.
Protein change: p.Ile117Met; replaces isoleucine 117 with methionine.
Molecular consequence: missense variant.
Genome position (GRCh38, 1-based): chrX:133,754,163, A>C on the plus strand (T>G on the coding strand, the complement: GPC3 is on the minus strand). VCF-style: chrX-133754163-A-C. GRCh37 (hg19) VCF-style: chrX-132888190-A-C.
Other names: c.351T>G, p.Ile117Met (NM_001164617.2); c.303T>G, p.Ile101Met (NM_001164618.2); c.189T>G, p.Ile63Met (NM_001164619.2); short protein forms I101M, I117M, I63M.
Identifiers: ClinVar variation 640240 (VCV000640240.11), dbSNP rs1603240797, ClinGen allele CA414706826.

ClinVar aggregate classification (germline): Uncertain significance (1 of 4 stars; one submission).

Conditions:
Wilms tumor 1 (WT1). Also called: Wilms tumor, somatic. Identifiers: Orphanet 654, MedGen CN033288, MONDO:0008679, OMIM 194070.

Allele frequency attached by ClinVar (database versions not stated): gnomAD exomes 0.00001.
gnomAD v4.1: 6 of 1,176,223 alleles (0.00051%); highest among the groups gnomAD compares: Middle Eastern, 0.024%; no homozygotes.

Submission:

Labcorp Genetics (formerly Invitae), Labcorp
Classification: Uncertain significance for Wilms tumor 1. Last evaluated: 2023-06-15. Review status: criteria provided, single submitter. Criteria: Invitae Variant Classification Sherloc (09022015). Collection method: clinical testing. Allele origin: germline.
Comment: This variant is not present in population databases (gnomAD no frequency). This sequence change replaces isoleucine, which is neutral and non-polar, with methionine, which is neutral and non-polar, at codon 117 of the GPC3 protein (p.Ile117Met). This variant has not been reported in the literature in individuals affected with GPC3-related conditions. ClinVar contains an entry for this variant (Variation ID: 640240). Advanced modeling of protein sequence and biophysical properties (such as structural, functional, and spatial information, amino acid conservation, physicochemical variation, residue mobility, and thermodynamic stability) performed at Invitae indicates that this missense variant is not expected to disrupt GPC3 protein function. In summary, the available evidence is currently insufficient to determine the role of this variant in disease. Therefore, it has been classified as a Variant of Uncertain Significance.